The following is an entry in ClinVar:

NM_001122769.3(LCA5):c.766C>T (p.Gln256Ter)

Gene: LCA5 (lebercilin LCA5; minus strand). Cytogenetic location: 6q14.1.
Variant type: single nucleotide variant.
Coding change: c.766C>T on transcript NM_001122769.3 (MANE Select); coding-DNA position 766, C replaced by T.
Protein change: p.Gln256Ter; replaces glutamine 256 with a stop codon.
Molecular consequence: nonsense.
Genome position (GRCh38, 1-based): chr6:79,493,705, G>A on the plus strand (C>T on the coding strand, the complement: LCA5 is on the minus strand). VCF-style: chr6-79493705-G-A. GRCh37 (hg19) VCF-style: chr6-80203422-G-A.
Other names: c.766C>T, p.Gln256Ter (NM_181714.4); short protein forms Q256*.
Identifiers: ClinVar variation 1916309 (VCV001916309.6), dbSNP rs2533392056, ClinGen allele CA364645399.

ClinVar aggregate classification (germline): Pathogenic. Review status: criteria provided, multiple submitters, no conflicts (2 of 4 stars). 2 submissions from 2 submitters: Pathogenic (2). Last evaluated 2024-05-14.

Conditions:
Leber congenital amaurosis 5 (LCA5). Also called: Amaurosis congenita of Leber, type 5. Identifiers: Orphanet 65, MedGen C1858301, MONDO:0011473, OMIM 604537.

Submissions (2):

Fulgent Genetics
Classification: Pathogenic for Leber congenital amaurosis 5. Last evaluated: 2024-05-14. Review status: criteria provided, single submitter. Criteria: ACMG Guidelines, 2015. Collection method: clinical testing. Allele origin: germline.

Labcorp Genetics (formerly Invitae), Labcorp
Classification: Pathogenic. Last evaluated: 2022-06-13. Review status: criteria provided, single submitter. Criteria: Invitae Variant Classification Sherloc (09022015). Collection method: clinical testing. Allele origin: germline.
Comment: For these reasons, this variant has been classified as Pathogenic. This premature translational stop signal has been observed in individual(s) with LCA5-related conditions (PMID: 31054281). This variant is not present in population databases (gnomAD no frequency). This sequence change creates a premature translational stop signal (p.Gln256*) in the LCA5 gene. It is expected to result in an absent or disrupted protein product. Loss-of-function variants in LCA5 are known to be pathogenic (PMID: 17546029, 23946133).

Literature cited by the submitters: PubMed 31054281 (cited by Labcorp Genetics (formerly Invitae), Labcorp); PubMed 17546029 (cited by Labcorp Genetics (formerly Invitae), Labcorp); PubMed 23946133 (cited by Labcorp Genetics (formerly Invitae), Labcorp).